The following is an entry in ClinVar:

NM_001457.4(FLNB):c.4670C>T (p.Thr1557Met)

Gene: FLNB (filamin B; plus strand). Cytogenetic location: 3p14.3.
Variant type: single nucleotide variant.
Coding change: c.4670C>T on transcript NM_001457.4 (MANE Select); coding-DNA position 4670, C replaced by T.
Protein change: p.Thr1557Met; replaces threonine 1557 with methionine.
Molecular consequence: missense variant.
Genome position (GRCh38, 1-based): chr3:58,134,771, C>T. VCF-style: chr3-58134771-C-T. GRCh37 (hg19) VCF-style: chr3-58120498-C-T.
Other names: c.4763C>T, p.Thr1588Met (NM_001164317.2); c.4670C>T, p.Thr1557Met (NM_001164318.2, NM_001164319.2); c.4670C>T (NM_001457.3); short protein forms T1588M, T1557M.
Identifiers: ClinVar variation 1380709 (VCV001380709.31), dbSNP rs200349286, ClinGen allele CA2468831.

ClinVar aggregate classification (germline): Uncertain significance. Review status: criteria provided, multiple submitters, no conflicts (2 of 4 stars). 4 submissions from 4 submitters: Uncertain significance (4). Last evaluated 2025-12-16.

Conditions:
Inborn genetic diseases. Identifiers: MedGen C0950123, MeSH D030342.

Allele frequency attached by ClinVar (database versions not stated): gnomAD exomes 0.00003 and 0.00004; gnomAD 0.00004; TOPMed 0.00004; ExAC 0.00007; ESP Exome Variant Server 0.00008.
gnomAD v4.1: 54 of 1,613,620 alleles (0.0033%); highest among the groups gnomAD compares: East Asian, 0.022%; no homozygotes.

Submissions (4):

Labcorp Genetics (formerly Invitae), Labcorp
Classification: Uncertain significance. Last evaluated: 2025-12-16. Review status: criteria provided, single submitter. Criteria: Invitae Variant Classification Sherloc (09022015). Collection method: clinical testing. Allele origin: germline.
Comment: This sequence change replaces threonine, which is neutral and polar, with methionine, which is neutral and non-polar, at codon 1557 of the FLNB protein (p.Thr1557Met). This variant is present in population databases (rs200349286, gnomAD 0.02%). This variant has not been reported in the literature in individuals affected with FLNB-related conditions. ClinVar contains an entry for this variant (Variation ID: 1380709). An algorithm developed to predict the effect of missense changes on protein structure and function (PolyPhen-2) suggests that this variant is likely to be disruptive. Algorithms developed to predict the effect of sequence changes on RNA splicing suggest that this variant may disrupt the consensus splice site. In summary, the available evidence is currently insufficient to determine the role of this variant in disease. Therefore, it has been classified as a Variant of Uncertain Significance.

Ambry Genetics
Classification: Uncertain significance for Inborn genetic diseases. Last evaluated: 2024-10-01. Review status: criteria provided, single submitter. Criteria: Ambry Variant Classification Scheme 2023. Collection method: clinical testing. Allele origin: germline.
Comment: Unlikely to be causative of FLNB-related skeletal disorders (AD) Based on insufficient or conflicting evidence, the clinical significance of this alteration remains unclear.

CeGaT Center for Human Genetics Tuebingen
Classification: Uncertain significance. Last evaluated: 2023-11-01. Review status: criteria provided, single submitter. Criteria: CeGaT Center For Human Genetics Tuebingen Variant Classification Criteria Version 2. Collection method: clinical testing. Allele origin: germline. Affected: yes. Observed: 1 variant allele.

Blueprint Genetics
Classification: Uncertain significance. Last evaluated: 2023-06-12. Review status: criteria provided, single submitter. Criteria: ACMG Guidelines, 2015. Collection method: clinical testing. Allele origin: germline.